The following is an entry in ClinVar:

ClinVar aggregate classification (germline): Likely benign (1 of 4 stars; one submission).

Submission:

CeGaT Center for Human Genetics Tuebingen
Classification: Likely benign. Last evaluated: 2026-06-01. Review status: criteria provided, single submitter. Criteria: CeGaT Center For Human Genetics Tuebingen Variant Classification Criteria Version 2. Collection method: clinical testing. Allele origin: germline. Affected: yes. Observed: 2 variant alleles.
Comment: CIC: PM2:Supporting, BP4, BP7

NM_001386298.1(CIC):c.777C>A (p.Pro259=)

Gene: CIC (capicua transcriptional repressor; plus strand). Cytogenetic location: 19q13.2.
Variant type: single nucleotide variant.
Coding change: c.777C>A on transcript NM_001386298.1 (MANE Select); coding-DNA position 777, C replaced by A.
Protein change: p.Pro259=; no amino-acid change (proline 259 retained).
Molecular consequence: synonymous variant.
Genome position (GRCh38, 1-based): chr19:42,272,560, C>A. VCF-style: chr19-42272560-C-A. GRCh37 (hg19) VCF-style: chr19-42776712-C-A.
Other names: c.777C>A, p.Pro259= (NM_001304815.2, NM_001379480.1, NM_001379482.1 and 1 more transcripts).
Identifiers: ClinVar variation 2649951 (VCV002649951.24), dbSNP rs2513597130, ClinGen allele CA507701576.